The following is an entry in ClinVar:

NM_001289808.2(CRYAB):c.434T>A (p.Val145Glu)

Gene: CRYAB (crystallin alpha B; minus strand). Cytogenetic location: 11q23.1.
Variant type: single nucleotide variant.
Coding change: c.434T>A on transcript NM_001289808.2 (MANE Select); coding-DNA position 434, T replaced by A.
Protein change: p.Val145Glu; replaces valine 145 with glutamic acid.
Molecular consequence: missense variant.
Genome position (GRCh38, 1-based): chr11:111,908,858, A>T on the plus strand (T>A on the coding strand, the complement: CRYAB is on the minus strand). VCF-style: chr11-111908858-A-T. GRCh37 (hg19) VCF-style: chr11-111779582-A-T.
Other names: c.434T>A, p.Val145Glu (NM_001289807.1, NM_001368245.1, NM_001885.3); c.233T>A, p.Val78Glu (NM_001330379.1, NM_001368246.1); short protein forms V78E, V145E.
Identifiers: ClinVar variation 3497342 (VCV003497342.1).

ClinVar aggregate classification (germline): Uncertain significance (1 of 4 stars; one submission).

Conditions:
Cardiovascular phenotype. Identifiers: MedGen CN230736.

Submission:

Ambry Genetics
Classification: Uncertain significance for Cardiovascular phenotype. Last evaluated: 2024-09-04. Review status: criteria provided, single submitter. Criteria: Ambry Variant Classification Scheme 2023. Collection method: clinical testing. Allele origin: germline.
Comment: The p.V145E variant (also known as c.434T>A), located in coding exon 3 of the CRYAB gene, results from a T to A substitution at nucleotide position 434. The valine at codon 145 is replaced by glutamic acid, an amino acid with dissimilar properties. This amino acid position is conserved. In addition, this alteration is predicted to be deleterious by in silico analysis. Based on the available evidence, the clinical significance of this variant remains unclear.